The following is an entry in ClinVar:

NM_006015.6(ARID1A):c.3220C>T (p.Arg1074Trp)

Gene: ARID1A (AT-rich interaction domain 1A; plus strand). Cytogenetic location: 1p36.11.
Variant type: single nucleotide variant.
Coding change: c.3220C>T on transcript NM_006015.6 (MANE Select); coding-DNA position 3220, C replaced by T.
Protein change: p.Arg1074Trp; replaces arginine 1074 with tryptophan.
Molecular consequence: missense variant.
Genome position (GRCh38, 1-based): chr1:26,771,140, C>T. VCF-style: chr1-26771140-C-T. GRCh37 (hg19) VCF-style: chr1-27097631-C-T.
Other names: c.3220C>T, p.Arg1074Trp (NM_139135.4); short protein forms R1074W.
Identifiers: ClinVar variation 1327742 (VCV001327742.4), dbSNP rs2124096845, ClinGen allele CA339164545.

ClinVar aggregate classification (germline): Uncertain significance (1 of 4 stars; one submission).

Allele frequency attached by ClinVar (database versions not stated): gnomAD exomes below 0.00001.
gnomAD v4.1: 1 of 1,614,136 alleles (0.000062%); highest among the groups gnomAD compares: East Asian, 0.0022%; no homozygotes.

Submission:

GeneDx
Classification: Uncertain significance. Last evaluated: 2023-09-06. Review status: criteria provided, single submitter. Criteria: GeneDx Variant Classification Process June 2021. Collection method: clinical testing. Allele origin: germline. Affected: yes.
Comment: Not observed in large population cohorts (gnomAD); In silico analysis supports that this missense variant has a deleterious effect on protein structure/function; In-silico analysis is inconclusive as to whether the variant alters gene splicing. In the absence of RNA/functional studies, the actual effect of this sequence change is unknown.; Has not been previously published as a pathogenic or benign germline variant to our knowledge; This variant is associated with the following publications: (PMID: 22922871)